The following is an entry in ClinVar:

ClinVar aggregate classification (germline): Uncertain significance (1 of 4 stars; one submission).

Conditions:
Optic atrophy 3 (OPA3). Also called: OPTIC ATROPHY 3, AUTOSOMAL DOMINANT; Optic atrophy, cataract, and neurologic disorder; Optic atrophy 3 with cataract. Identifiers: Orphanet 67036, MedGen C1833809, MONDO:0008133, OMIM 165300.
3-Methylglutaconic aciduria type 3 (MGCA3). Also called: OPA3, AUTOSOMAL RECESSIVE; OPTIC ATROPHY 3, AUTOSOMAL RECESSIVE; OPA3-Related 3-Methylglutaconic Aciduria; Costeff Syndrome. Identifiers: Orphanet 67047, MedGen C0574084, MONDO:0009787, OMIM 258501.

gnomAD v4.1: 13 of 1,613,050 alleles (0.00081%); highest among the groups gnomAD compares: South Asian, 0.0011%; no homozygotes.

Submission:

Labcorp Genetics (formerly Invitae), Labcorp
Classification: Uncertain significance for 3-Methylglutaconic aciduria type 3; Optic atrophy 3. Last evaluated: 2025-07-28. Review status: criteria provided, single submitter. Criteria: Invitae Variant Classification Sherloc (09022015). Collection method: clinical testing. Allele origin: germline.
Comment: This sequence change replaces isoleucine, which is neutral and non-polar, with methionine, which is neutral and non-polar, at codon 91 of the OPA3 protein (p.Ile91Met). This variant is present in population databases (rs369545089, gnomAD 0.003%). This variant has not been reported in the literature in individuals affected with OPA3-related conditions. ClinVar contains an entry for this variant (Variation ID: 3761016). An algorithm developed to predict the effect of missense changes on protein structure and function (PolyPhen-2) suggests that this variant is likely to be tolerated. In summary, the available evidence is currently insufficient to determine the role of this variant in disease. Therefore, it has been classified as a Variant of Uncertain Significance.

NM_025136.4(OPA3):c.273C>G (p.Ile91Met)

Genes: OPA3 (outer mitochondrial membrane lipid metabolism regulator OPA3; minus strand), OPA3-RTN2 (OPA3-RTN2 readthrough; minus strand). Cytogenetic location: 19q13.32.
Variant type: single nucleotide variant.
Coding change: c.273C>G on transcript NM_025136.4 (MANE Select); coding-DNA position 273, C replaced by G.
Protein change: p.Ile91Met; replaces isoleucine 91 with methionine.
Molecular consequence: missense variant. On other transcripts: intron variant (1).
Genome position (GRCh38, 1-based): chr19:45,553,781, G>C on the plus strand (C>G on the coding strand, the complement: OPA3 is on the minus strand). VCF-style: chr19-45553781-G-C. GRCh37 (hg19) VCF-style: chr19-46057039-G-C.
Other names: c.143-24325C>G (NM_001017989.3); short protein forms I91M.
Identifiers: ClinVar variation 3761016 (VCV003761016.2).